The following is an entry in ClinVar:

ClinVar aggregate classification (germline): Likely benign (1 of 4 stars; one submission).

gnomAD v4.1: 40 of 1,600,226 alleles (0.0025%); highest among the groups gnomAD compares: East Asian, 0.016%; no homozygotes.

Submission:

CeGaT Center for Human Genetics Tuebingen
Classification: Likely benign. Last evaluated: 2024-10-01. Review status: criteria provided, single submitter. Criteria: CeGaT Center For Human Genetics Tuebingen Variant Classification Criteria Version 2. Collection method: clinical testing. Allele origin: germline. Affected: yes. Observed: 1 variant allele.
Comment: MUC5B: BP4, BP7

NM_002458.3(MUC5B):c.16494G>A (p.Pro5498=)

Gene: MUC5B (mucin 5B, oligomeric mucus/gel-forming; plus strand). Cytogenetic location: 11p15.5.
Variant type: single nucleotide variant.
Coding change: c.16494G>A on transcript NM_002458.3 (MANE Select); coding-DNA position 16494, G replaced by A.
Protein change: p.Pro5498=; no amino-acid change (proline 5498 retained).
Molecular consequence: synonymous variant.
Genome position (GRCh38, 1-based): chr11:1,258,142, G>A. VCF-style: chr11-1258142-G-A. GRCh37 (hg19) VCF-style: chr11-1279372-G-A.
Identifiers: ClinVar variation 3389380 (VCV003389380.14).